The following is an entry in ClinVar:

ClinVar aggregate classification (germline): Uncertain significance (1 of 4 stars; one submission).

Conditions:
Pierpont syndrome (PRPTS). Identifiers: Orphanet 487825, MedGen C1865644, MONDO:0011213, OMIM 602342.

Submission:

Labcorp Genetics (formerly Invitae), Labcorp
Classification: Uncertain significance for Pierpont syndrome. Last evaluated: 2024-11-21. Review status: criteria provided, single submitter. Criteria: Invitae Variant Classification Sherloc (09022015). Collection method: clinical testing. Allele origin: germline.
Comment: This sequence change replaces glycine, which is neutral and non-polar, with glutamic acid, which is acidic and polar, at codon 405 of the TBL1XR1 protein (p.Gly405Glu). This variant is present in population databases (rs747932785, gnomAD 0.006%). This variant has not been reported in the literature in individuals affected with TBL1XR1-related conditions. Invitae Evidence Modeling of protein sequence and biophysical properties (such as structural, functional, and spatial information, amino acid conservation, physicochemical variation, residue mobility, and thermodynamic stability) indicates that this missense variant is expected to disrupt TBL1XR1 protein function with a positive predictive value of 95%. In summary, the available evidence is currently insufficient to determine the role of this variant in disease. Therefore, it has been classified as a Variant of Uncertain Significance.

NM_024665.7(TBL1XR1):c.1214G>A (p.Gly405Glu)

Gene: TBL1XR1 (TBL1X/Y related 1; minus strand). Cytogenetic location: 3q26.32.
Variant type: single nucleotide variant.
Coding change: c.1214G>A on transcript NM_024665.7 (MANE Select); coding-DNA position 1214, G replaced by A.
Protein change: p.Gly405Glu; replaces glycine 405 with glutamic acid.
Molecular consequence: missense variant.
Genome position (GRCh38, 1-based): chr3:177,034,234, C>T on the plus strand (G>A on the coding strand, the complement: TBL1XR1 is on the minus strand). VCF-style: chr3-177034234-C-T. GRCh37 (hg19) VCF-style: chr3-176752022-C-T.
Other names: c.1214G>A, p.Gly405Glu (NM_001321193.3, NM_001321194.3, NM_001374327.1 and 2 more transcripts); c.953G>A, p.Gly318Glu (NM_001321195.3, NM_001374330.1); short protein forms G318E, G405E.
Identifiers: ClinVar variation 3621247 (VCV003621247.2).